The following is an entry in ClinVar:

ClinVar aggregate classification (germline): Uncertain significance. Review status: criteria provided, multiple submitters, no conflicts (2 of 4 stars). 2 submissions from 2 submitters: Uncertain significance (2). Last evaluated 2022-04-05.

Conditions:
Osteogenesis imperfecta (OI). Identifiers: Orphanet 666, MedGen C0029434, MeSH D010013, MONDO:0019019.
Osteogenesis imperfecta with normal sclerae, dominant form (OI4). Also called: OSTEOGENESIS IMPERFECTA, TYPE IV, WITH DENTINOGENESIS IMPERFECTA; Osteogenesis imperfecta type 4; OSTEOGENESIS IMPERFECTA WITH NORMAL SCLERAE; Osteogenesis Imperfecta Type IV; Common Variable Osteogenesis Imperfecta with Normal Sclerae. Identifiers: Orphanet 216820, Orphanet 666, MedGen C0268363, MONDO:0008148, OMIM 166220.

gnomAD v4.1: 3 of 1,613,064 alleles (0.00019%); highest among the groups gnomAD compares: Non-Finnish European, 0.00025%; no homozygotes.

Submissions (2):

Genome Diagnostics Laboratory, The Hospital for Sick Children
Classification: Uncertain significance for Osteogenesis imperfecta. Last evaluated: 2022-04-05. Review status: criteria provided, single submitter. Criteria: ACMG Guidelines, 2015. Collection method: clinical testing. Allele origin: germline.

Centre for Mendelian Genomics, University Medical Centre Ljubljana
Classification: Uncertain significance for Osteogenesis imperfecta with normal sclerae, dominant form. Last evaluated: 2019-04-18. Review status: criteria provided, single submitter. Criteria: ACMG Guidelines, 2015. Collection method: clinical testing. Allele origin: unknown. Affected: yes.
Comment: This variant was classified as: Uncertain significance. The available evidence on this variant's pathogenicity is insufficient or conflicting. The following ACMG criteria were applied in classifying this variant: PM1,PM2,PP2,BP4.

NM_000088.4(COL1A1):c.2539G>T (p.Ala847Ser)

Gene: COL1A1 (collagen type I alpha 1 chain; minus strand). Cytogenetic location: 17q21.33.
Variant type: single nucleotide variant.
Coding change: c.2539G>T on transcript NM_000088.4 (MANE Select); coding-DNA position 2539, G replaced by T.
Protein change: p.Ala847Ser; replaces alanine 847 with serine.
Molecular consequence: missense variant.
Genome position (GRCh38, 1-based): chr17:50,190,021, C>A on the plus strand (G>T on the coding strand, the complement: COL1A1 is on the minus strand). VCF-style: chr17-50190021-C-A. GRCh37 (hg19) VCF-style: chr17-48267382-C-A.
Other names: short protein forms A847S.
Identifiers: ClinVar variation 931888 (VCV000931888.6), dbSNP rs369455732, ClinGen allele CA291543291.
Genomic context (GRCh38, chr17:50,190,021, plus strand): 5'-GCCCACCAGCCTCGTGGGCACAGAGGGCCAAGCCACTCACAATGGGGCCAGGGGGTCCAG[C>A]GGGTCCGGCAGGGCCAGGGGGACCAGCATCGCCTTTAGCACCAGCATCACCAGGTTCGCC-3'
Protein context (NP_000079.2, residues 837-857): DAGPPGPAGP[Ala847Ser]GPPGPIGNVG